The following is an entry in ClinVar:

ClinVar aggregate classification (germline): Uncertain significance (1 of 4 stars; one submission).

Allele frequency attached by ClinVar (database versions not stated): gnomAD exomes 0.00005; TOPMed 0.00026; gnomAD 0.00033.
gnomAD v4.1: 76 of 1,613,854 alleles (0.0047%); highest among the groups gnomAD compares: Admixed American, 0.13%; 1 homozygote.

Submission:

Labcorp Genetics (formerly Invitae), Labcorp
Classification: Uncertain significance. Last evaluated: 2024-04-15. Review status: criteria provided, single submitter. Criteria: Invitae Variant Classification Sherloc (09022015). Collection method: clinical testing. Allele origin: germline.
Comment: This sequence change replaces serine, which is neutral and polar, with proline, which is neutral and non-polar, at codon 249 of the KANK1 protein (p.Ser249Pro). This variant is present in population databases (no rsID available, gnomAD 0.07%), and has an allele count higher than expected for a pathogenic variant. This variant has not been reported in the literature in individuals affected with KANK1-related conditions. Advanced modeling of protein sequence and biophysical properties (such as structural, functional, and spatial information, amino acid conservation, physicochemical variation, residue mobility, and thermodynamic stability) performed at Invitae indicates that this missense variant is expected to disrupt KANK1 protein function with a positive predictive value of 80%. In summary, the available evidence is currently insufficient to determine the role of this variant in disease. Therefore, it has been classified as a Variant of Uncertain Significance.

NM_015158.5(KANK1):c.745T>C (p.Ser249Pro)

Gene: KANK1 (KN motif and ankyrin repeat domains 1; plus strand). Cytogenetic location: 9p24.3.
Variant type: single nucleotide variant.
Coding change: c.745T>C on transcript NM_015158.5 (MANE Select); coding-DNA position 745, T replaced by C.
Protein change: p.Ser249Pro; replaces serine 249 with proline.
Molecular consequence: missense variant. On other transcripts: non-coding transcript variant (1).
Genome position (GRCh38, 1-based): chr9:711,511, T>C. VCF-style: chr9-711511-T-C. GRCh37 (hg19) VCF-style: chr9-711511-T-C.
Other names: c.745T>C, p.Ser249Pro (NM_001256876.3, NM_001256877.3, NM_001354331.2 and 2 more transcripts); c.271T>C, p.Ser91Pro (NM_001354333.2, NM_001354335.2, NM_001354336.2 and 9 more transcripts); short protein forms S249P, S91P.
Identifiers: ClinVar variation 2984386 (VCV002984386.3), dbSNP rs1234300624, ClinGen allele CA372746779.